The following is an entry in ClinVar:

ClinVar aggregate classification (germline): Likely pathogenic (1 of 4 stars; one submission).

Conditions:
Autosomal dominant nonsyndromic hearing loss 22. Also called: Autosomal dominant nonsyndromic deafness 22; DFNA 22. Identifiers: Orphanet 228012, MedGen C2931767, MONDO:0011660, OMIM 606346.

Allele frequency attached by ClinVar (database versions not stated): gnomAD exomes below 0.00001.

Submission:

MGZ Medical Genetics Center
Classification: Likely pathogenic for Autosomal dominant nonsyndromic hearing loss 22. Last evaluated: 2022-06-07. Review status: criteria provided, single submitter. Criteria: ACMG Guidelines, 2015. Collection method: clinical testing. Allele origin: germline. Affected: yes. Observed: 1 variant allele.
Comment: ACMG criteria applied: PVS1, PM2_SUP

NM_004999.4(MYO6):c.2442_2445dup (p.Ala816Ter)

Gene: MYO6 (myosin VI; plus strand). Cytogenetic location: 6q14.1.
Variant type: Duplication.
Coding change: c.2442_2445dup on transcript NM_004999.4 (MANE Select); coding-DNA positions 2442 to 2445, 4 bases duplicated (TGAA; older notation c.2442_2445dupTGAA).
Protein change: p.Ala816Ter; replaces alanine 816 with a stop codon.
Molecular consequence: nonsense. On other transcripts: non-coding transcript variant (1).
Genome position (GRCh38, 1-based): chr6:75,886,029-75,886,032, TGAA duplicated. VCF-style (leftmost placement, unchanged base first): chr6-75886028-C-CTGAA. GRCh37 (hg19) VCF-style: chr6-76595745-C-CTGAA.
Other names: c.2442_2445dup, p.Ala816Ter (NM_001300899.2, NM_001368136.1, NM_001368137.1 and 2 more transcripts); c.2427_2430dup, p.Ala811Ter (NM_001368138.1); short protein forms A811*, A816*.
Identifiers: ClinVar variation 1709519 (VCV001709519.2), dbSNP rs2535544061, ClinGen allele CA2580075835.
Genomic context (GRCh38, chr6:75,886,028, plus strand): 5'-TAATTTTCTATCATTTTATTTTACTCTTACACATAGTGAAAAACAAAATAAAATATCGAG[C>CTGAA]TGAAGCCTGCATTAAAATGCAAAAAACTATTCGAATGTGGCTTTGCAAGAGGAGACACAA-3'